The following is an entry in ClinVar:

ClinVar aggregate classification (germline): Uncertain significance (1 of 4 stars; one submission).

Conditions:
Myasthenic syndrome, congenital, 22 (CMS22). Also called: PREPL DEFICIENCY. Identifiers: MedGen C4479088, MONDO:0044299, OMIM 616224.

Allele frequency attached by ClinVar (database versions not stated): gnomAD exomes below 0.00001.
gnomAD v4.1: 3 of 1,614,178 alleles (0.00019%); highest among the groups gnomAD compares: African/African-American, 0.0013%; no homozygotes.

Submission:

Labcorp Genetics (formerly Invitae), Labcorp
Classification: Uncertain significance for Myasthenic syndrome, congenital, 22. Last evaluated: 2020-03-18. Review status: criteria provided, single submitter. Criteria: Invitae Variant Classification Sherloc (09022015). Collection method: clinical testing. Allele origin: germline.
Comment: This sequence change replaces lysine with glutamic acid at codon 527 of the PREPL protein (p.Lys527Glu). The lysine residue is highly conserved and there is a small physicochemical difference between lysine and glutamic acid. In summary, the available evidence is currently insufficient to determine the role of this variant in disease. Therefore, it has been classified as a Variant of Uncertain Significance. Algorithms developed to predict the effect of missense changes on protein structure and function are either unavailable or do not agree on the potential impact of this missense change (SIFT: "Deleterious"; PolyPhen-2: "Possibly Damaging"; Align-GVGD: "Class C0"). This variant has not been reported in the literature in individuals with PREPL-related conditions. This variant is not present in population databases (ExAC no frequency).

NM_001171613.2(PREPL):c.1312A>G (p.Lys438Glu)

Gene: PREPL (prolyl endopeptidase like; minus strand). Cytogenetic location: 2p21.
Variant type: single nucleotide variant.
Coding change: c.1312A>G on transcript NM_001171613.2 (MANE Select); coding-DNA position 1312, A replaced by G.
Protein change: p.Lys438Glu; replaces lysine 438 with glutamic acid.
Molecular consequence: missense variant.
Genome position (GRCh38, 1-based): chr2:44,326,879, T>C on the plus strand (A>G on the coding strand, the complement: PREPL is on the minus strand). VCF-style: chr2-44326879-T-C. GRCh37 (hg19) VCF-style: chr2-44554018-T-C.
Other names: c.1393A>G, p.Lys465Glu (NM_001042385.2); c.1381A>G, p.Lys461Glu (NM_001042386.2); c.1579A>G, p.Lys527Glu (NM_001171603.1, NM_001171606.2, NM_001374275.1 and 2 more transcripts); c.1312A>G, p.Lys438Glu (NM_001171617.1, NM_001374277.1); short protein forms K438E, K461E, K465E, K527E.
Identifiers: ClinVar variation 1023008 (VCV001023008.8), dbSNP rs1673555028, ClinGen allele CA346689717.